The following is an entry in ClinVar:

NM_147196.3(TMIE):c.64C>T (p.Leu22Phe)

Gene: TMIE (transmembrane inner ear; plus strand). Cytogenetic location: 3p21.31.
Variant type: single nucleotide variant.
Coding change: c.64C>T on transcript NM_147196.3 (MANE Select); coding-DNA position 64, C replaced by T.
Protein change: p.Leu22Phe; replaces leucine 22 with phenylalanine.
Molecular consequence: missense variant. On other transcripts: intron variant (2).
Genome position (GRCh38, 1-based): chr3:46,701,551, C>T. VCF-style: chr3-46701551-C-T. GRCh37 (hg19) VCF-style: chr3-46743041-C-T.
Other names: c.-66-4239C>T (NM_001370524.1, NM_001370525.1); short protein forms L22F.
Identifiers: ClinVar variation 900353 (VCV000900353.5), dbSNP rs1700477304, ClinGen allele CA352478366.

ClinVar aggregate classification (germline): Uncertain significance. Review status: criteria provided, multiple submitters, no conflicts (2 of 4 stars). 2 submissions from 2 submitters: Uncertain significance (2). Last evaluated 2023-06-26.

Conditions:
Autosomal recessive nonsyndromic hearing loss 6. Also called: NEUROSENSORY NONSYNDROMIC RECESSIVE DEAFNESS 6. Identifiers: Orphanet 90636, MedGen C1832992, MONDO:0010965, OMIM 600971.

Allele frequency attached by ClinVar (database versions not stated): gnomAD 0.00001; TOPMed 0.00001.
gnomAD v4.1: 2 of 1,289,068 alleles (0.00016%); highest among the groups gnomAD compares: South Asian, 0.0025%; no homozygotes.

Submissions (2):

GeneDx
Classification: Uncertain significance. Last evaluated: 2023-06-26. Review status: criteria provided, single submitter. Criteria: GeneDx Variant Classification Process June 2021. Collection method: clinical testing. Allele origin: germline. Affected: yes.
Comment: Not observed at significant frequency in large population cohorts (gnomAD); In silico analysis supports that this missense variant does not alter protein structure/function; Has not been previously published as pathogenic or benign to our knowledge

Illumina Laboratory Services, Illumina
Classification: Uncertain significance for Autosomal recessive nonsyndromic hearing loss 6. Last evaluated: 2018-01-13. Review status: criteria provided, single submitter. Criteria: ICSL Variant Classification Criteria 13 December 2019. Collection method: clinical testing. Allele origin: germline.